The following is an entry in ClinVar:

ClinVar aggregate classification (germline): Uncertain significance (1 of 4 stars; one submission).

Submission:

Dasa
Classification: Uncertain significance. Last evaluated: 2025-04-15. Review status: criteria provided, single submitter. Criteria: DASA Assertion Criteria. Collection method: clinical testing. Allele origin: germline.
Comment: NM_002435.3(MPI):c.262G>A (p.Asp88Asn) is a missense variant that results in the substitution of aspartic acid with asparagine. This variant is absent from population databases. Computational prediction algorithms are consistent with a benign effect. The currently available literature and clinical evidence are not sufficient to establish a definitive association between this variant and the reported condition. Therefore, this variant is classified as a variant of uncertain significance.

NM_002435.3(MPI):c.262G>A (p.Asp88Asn)

Gene: MPI (mannose phosphate isomerase; plus strand). Cytogenetic location: 15q24.1.
Variant type: single nucleotide variant.
Coding change: c.262G>A on transcript NM_002435.3 (MANE Select); coding-DNA position 262, G replaced by A.
Protein change: p.Asp88Asn; replaces aspartic acid 88 with asparagine.
Molecular consequence: missense variant.
Genome position (GRCh38, 1-based): chr15:74,891,496, G>A. VCF-style: chr15-74891496-G-A. GRCh37 (hg19) VCF-style: chr15-75183837-G-A.
Other names: c.262G>A, p.Asp88Asn (NM_001289155.2, NM_001289157.2); c.112G>A, p.Asp38Asn (NM_001289156.2); c.202G>A, p.Asp68Asn (NM_001330372.2); short protein forms D38N, D68N, D88N.
Identifiers: ClinVar variation 4883150 (VCV004883150.2).